The following is an entry in ClinVar:

ClinVar aggregate classification (germline): Uncertain significance (1 of 4 stars; one submission).

Submission:

Labcorp Genetics (formerly Invitae), Labcorp
Classification: Uncertain significance. Last evaluated: 2021-01-08. Review status: criteria provided, single submitter. Criteria: Invitae Variant Classification Sherloc (09022015). Collection method: clinical testing. Allele origin: germline.
Comment: This sequence change replaces glycine with aspartic acid at codon 763 of the CAD protein (p.Gly763Asp). The glycine residue is highly conserved and there is a moderate physicochemical difference between glycine and aspartic acid. This variant is not present in population databases (ExAC no frequency). This variant has not been reported in the literature in individuals with CAD-related conditions. Algorithms developed to predict the effect of missense changes on protein structure and function are either unavailable or do not agree on the potential impact of this missense change (SIFT: "Deleterious"; PolyPhen-2: "Probably Damaging"; Align-GVGD: "Class C0"). In summary, the available evidence is currently insufficient to determine the role of this variant in disease. Therefore, it has been classified as a Variant of Uncertain Significance.

NM_004341.5(CAD):c.2288G>A (p.Gly763Asp)

Gene: CAD (carbamoyl-phosphate synthetase 2, aspartate transcarbamylase, and dihydroorotase; plus strand). Cytogenetic location: 2p23.3.
Variant type: single nucleotide variant.
Coding change: c.2288G>A on transcript NM_004341.5 (MANE Select); coding-DNA position 2288, G replaced by A.
Protein change: p.Gly763Asp; replaces glycine 763 with aspartic acid.
Molecular consequence: missense variant.
Genome position (GRCh38, 1-based): chr2:27,231,468, G>A. VCF-style: chr2-27231468-G-A. GRCh37 (hg19) VCF-style: chr2-27454336-G-A.
Other names: c.2099G>A, p.Gly700Asp (NM_001306079.2); short protein forms G700D, G763D.
Identifiers: ClinVar variation 1501233 (VCV001501233.7), dbSNP rs2148075396, ClinGen allele CA346209852.